The following is an entry in ClinVar:

NM_032043.3(BRIP1):c.375T>C (p.Cys125=)

Gene: BRIP1 (BRCA1 interacting DNA helicase 1; minus strand). Cytogenetic location: 17q23.2.
Variant type: single nucleotide variant.
Coding change: c.375T>C on transcript NM_032043.3 (MANE Select); coding-DNA position 375, T replaced by C.
Protein change: p.Cys125=; no amino-acid change (cysteine 125 retained).
Molecular consequence: synonymous variant.
Genome position (GRCh38, 1-based): chr17:61,857,062, A>G on the plus strand (T>C on the coding strand, the complement: BRIP1 is on the minus strand). VCF-style: chr17-61857062-A-G. GRCh37 (hg19) VCF-style: chr17-59934423-A-G.
Identifiers: ClinVar variation 1734665 (VCV001734665.6), dbSNP rs2145825989, ClinGen allele CA501151190.

ClinVar aggregate classification (germline): Benign/Likely benign. Review status: criteria provided, multiple submitters, no conflicts (2 of 4 stars). 3 submissions from 3 submitters: Benign (1); Likely benign (2). Last evaluated 2024-08-21.

Conditions:
Hereditary cancer-predisposing syndrome. Also called: Neoplastic Syndromes, Hereditary; Tumor predisposition; Hereditary Cancer Syndrome; Hereditary neoplastic syndrome. Identifiers: Orphanet 140162, MedGen C0027672, MeSH D009386, MONDO:0015356.
Fanconi anemia complementation group J. Also called: BRIP1-Related Fanconi Anemia. Identifiers: Orphanet 84, MedGen C1836860, MONDO:0012187, OMIM 609054.
Familial cancer of breast. Also called: BREAST CANCER, FAMILIAL; Hereditary breast cancer; hereditary breast carcinoma. Identifiers: Orphanet 227535, MedGen C0346153, MONDO:0016419, OMIM 114480. Disease mechanism: loss of function.

Allele frequency attached by ClinVar (database versions not stated): gnomAD exomes below 0.00001.
gnomAD v4.1: 2 of 1,613,900 alleles (0.00012%); highest among the groups gnomAD compares: Non-Finnish European, 0.00017%; no homozygotes.

Submissions (3):

Myriad Genetics, Inc.
Classification: Benign for Familial cancer of breast. Last evaluated: 2024-08-21. Review status: criteria provided, single submitter. Criteria: Myriad Autosomal Dominant, Autosomal Recessive and X-Linked Classification Criteria (2023). Collection method: clinical testing. Allele origin: unknown.
Comment: This variant is considered benign. This variant is a silent/synonymous amino acid change and it is not expected to impact splicing.

Labcorp Genetics (formerly Invitae), Labcorp
Classification: Likely benign for Familial cancer of breast; Fanconi anemia complementation group J. Last evaluated: 2023-02-14. Review status: criteria provided, single submitter. Criteria: Invitae Variant Classification Sherloc (09022015). Collection method: clinical testing. Allele origin: germline.

Ambry Genetics
Classification: Likely benign for Hereditary cancer-predisposing syndrome. Last evaluated: 2021-02-24. Review status: criteria provided, single submitter. Criteria: Ambry Variant Classification Scheme 2023. Collection method: clinical testing. Allele origin: germline.